The following is an entry in ClinVar:

ClinVar aggregate classification (germline): Uncertain significance. Review status: criteria provided, multiple submitters, no conflicts (2 of 4 stars). 2 submissions from 2 submitters: Uncertain significance (2). Last evaluated 2025-12-22.

Conditions:
Pheochromocytoma/paraganglioma syndrome 3. Also called: GLOMUS TUMORS, FAMILIAL, 3; Paragangliomas 3; SDHC-Related Hereditary Paraganglioma-Pheochromocytoma Syndrome (Paragangliomas 3); SDHC-Related Hereditary Paraganglioma-Pheochromocytoma Syndrome. Identifiers: Orphanet 29072, MedGen C1854336, MONDO:0011544, OMIM 605373.
Gastrointestinal stromal tumor. Also called: Gastrointestinal stromal tumor, somatic; Gastrointestinal stroma tumor. Identifiers: Orphanet 44890, MedGen C0238198, MeSH D046152, MONDO:0011719, OMIM 606764, HP:0100723.
Hereditary cancer-predisposing syndrome. Also called: Neoplastic Syndromes, Hereditary; Tumor predisposition; Hereditary Cancer Syndrome; Hereditary neoplastic syndrome. Identifiers: Orphanet 140162, MedGen C0027672, MeSH D009386, MONDO:0015356.

Submissions (2):

Ambry Genetics
Classification: Uncertain significance for Hereditary cancer-predisposing syndrome. Last evaluated: 2025-12-22. Review status: criteria provided, single submitter. Criteria: Ambry Variant Classification Scheme 2023. Collection method: clinical testing. Allele origin: germline.
Comment: The p.F96C variant (also known as c.287T>G), located in coding exon 5 of the SDHC gene, results from a T to G substitution at nucleotide position 287. The phenylalanine at codon 96 is replaced by cysteine, an amino acid with highly dissimilar properties. This amino acid position is highly conserved in available vertebrate species. In addition, this alteration is predicted to be deleterious by in silico analysis. Based on the available evidence, the clinical significance of this variant remains unclear.

Labcorp Genetics (formerly Invitae), Labcorp
Classification: Uncertain significance for Pheochromocytoma/paraganglioma syndrome 3; Gastrointestinal stromal tumor. Last evaluated: 2025-09-21. Review status: criteria provided, single submitter. Criteria: Invitae Variant Classification Sherloc (09022015). Collection method: clinical testing. Allele origin: germline.
Comment: This sequence change replaces phenylalanine, which is neutral and non-polar, with cysteine, which is neutral and slightly polar, at codon 96 of the SDHC protein (p.Phe96Cys). This variant is not present in population databases (gnomAD no frequency). This variant has not been reported in the literature in individuals affected with SDHC-related conditions. ClinVar contains an entry for this variant (Variation ID: 1797162). An algorithm developed to predict the effect of missense changes on protein structure and function (PolyPhen-2) suggests that this variant is likely to be disruptive. In summary, the available evidence is currently insufficient to determine the role of this variant in disease. Therefore, it has been classified as a Variant of Uncertain Significance.

NM_003001.5(SDHC):c.287T>G (p.Phe96Cys)

Gene: SDHC (succinate dehydrogenase complex subunit C; plus strand). Cytogenetic location: 1q23.3.
Variant type: single nucleotide variant.
Coding change: c.287T>G on transcript NM_003001.5 (MANE Select); coding-DNA position 287, T replaced by G.
Protein change: p.Phe96Cys; replaces phenylalanine 96 with cysteine.
Molecular consequence: missense variant. On other transcripts: non-coding transcript variant (1), intron variant (3).
Genome position (GRCh38, 1-based): chr1:161,356,722, T>G. VCF-style: chr1-161356722-T-G. GRCh37 (hg19) VCF-style: chr1-161326512-T-G.
Other names: c.185T>G, p.Phe62Cys (NM_001035512.3); c.128T>G, p.Phe43Cys (NM_001035513.3); c.407T>G, p.Phe136Cys (NM_001407115.1); c.230T>G, p.Phe77Cys (NM_001407116.1); c.224T>G, p.Phe75Cys (NM_001407117.1); c.179T>G, p.Phe60Cys (NM_001407118.1); c.176T>G, p.Phe59Cys (NM_001407119.1, NM_001407120.1); c.242-5607T>G (NM_001035511.3); and 2 more; short protein forms F43C, F62C, F59C, F75C, F77C, F136C, F60C, F96C.
Identifiers: ClinVar variation 1797162 (VCV001797162.8), dbSNP rs2526536296, ClinGen allele CA343456360.
Genomic context (GRCh38, chr1:161,356,722, plus strand): 5'-TGGTTTTCTCCTCAGGGGTCTCTCTTTTTGGCATGTCGGCCCTGTTACTCCCTGGGAACT[T>G]TGAGTCTTATTTGGAACTTGTGAAGTCCCTGTGTCTGGGGCCAGCACTGATCCACACAGC-3'
Protein context (NP_002992.1, residues 86-106): GMSALLLPGN[Phe96Cys]ESYLELVKSL